The following is an entry in ClinVar:

ClinVar aggregate classification (germline): Uncertain significance. Review status: criteria provided, multiple submitters, no conflicts (2 of 4 stars). 2 submissions from 2 submitters: Uncertain significance (2). Last evaluated 2023-08-28.

Conditions:
Landau-Kleffner syndrome (FESD). Also called: APHASIA, ACQUIRED, WITH EPILEPSY; EPILEPSY, FOCAL, WITH SPEECH DISORDER AND WITH OR WITHOUT MENTAL RETARDATION. Identifiers: Orphanet 1945, Orphanet 725, Orphanet 98818, MedGen C0282512, MONDO:0009509, OMIM 245570.

Allele frequency attached by ClinVar (database versions not stated): gnomAD exomes below 0.00001.
gnomAD v4.1: 1 of 1,614,172 alleles (0.000062%); highest among the groups gnomAD compares: Non-Finnish European, 0.000085%; no homozygotes.

Submissions (2):

Women's Health and Genetics/Laboratory Corporation of America, LabCorp
Classification: Uncertain significance. Last evaluated: 2023-08-28. Review status: criteria provided, single submitter. Criteria: LabCorp Variant Classification Summary - May 2015. Collection method: clinical testing. Allele origin: germline.
Comment: Variant summary: GRIN2A c.4235G>C (p.Cys1412Ser) results in a non-conservative amino acid change located in the Glutamate [NMDA] receptor, epsilon subunit, C-terminal domain (IPR018884) of the encoded protein sequence. Three of five in-silico tools predict a benign effect of the variant on protein function. The variant was absent in 251178 control chromosomes (gnomAD). The available data on variant occurrences in the general population are insufficient to allow any conclusion about variant significance. To our knowledge, no occurrence of c.4235G>C in individuals affected with Epilepsy, Focal, With Speech Disorder And With Or Without Mental Retardation and no experimental evidence demonstrating its impact on protein function have been reported. One submitter has cited clinical-significance assessments for this variant to ClinVar after 2014 and has classified the variant as uncertain significance. Based on the evidence outlined above, the variant was classified as uncertain significance.

Labcorp Genetics (formerly Invitae), Labcorp
Classification: Uncertain significance for Landau-Kleffner syndrome. Last evaluated: 2021-12-08. Review status: criteria provided, single submitter. Criteria: Invitae Variant Classification Sherloc (09022015). Collection method: clinical testing. Allele origin: germline.
Comment: In summary, the available evidence is currently insufficient to determine the role of this variant in disease. Therefore, it has been classified as a Variant of Uncertain Significance. Advanced modeling of protein sequence and biophysical properties (such as structural, functional, and spatial information, amino acid conservation, physicochemical variation, residue mobility, and thermodynamic stability) performed at Invitae indicates that this missense variant is not expected to disrupt GRIN2A protein function. ClinVar contains an entry for this variant (Variation ID: 1026673). This variant has not been reported in the literature in individuals affected with GRIN2A-related conditions. This variant is not present in population databases (gnomAD no frequency). This sequence change replaces cysteine, which is neutral and slightly polar, with serine, which is neutral and polar, at codon 1412 of the GRIN2A protein (p.Cys1412Ser).

NM_001134407.3(GRIN2A):c.4235G>C (p.Cys1412Ser)

Gene: GRIN2A (glutamate ionotropic receptor NMDA type subunit 2A; minus strand). Cytogenetic location: 16p13.2.
Variant type: single nucleotide variant.
Coding change: c.4235G>C on transcript NM_001134407.3 (MANE Select); coding-DNA position 4235, G replaced by C.
Protein change: p.Cys1412Ser; replaces cysteine 1412 with serine.
Molecular consequence: missense variant. On other transcripts: 3 prime UTR variant (1).
Genome position (GRCh38, 1-based): chr16:9,763,309, C>G on the plus strand (G>C on the coding strand, the complement: GRIN2A is on the minus strand). VCF-style: chr16-9763309-C-G. GRCh37 (hg19) VCF-style: chr16-9857166-C-G.
Other names: c.4235G>C (NM_000833.4); c.4235G>C, p.Cys1412Ser (NM_000833.5); c.*46G>C (NM_001134408.2); short protein forms C1412S.
Identifiers: ClinVar variation 1026673 (VCV001026673.11), dbSNP rs1900675462, ClinGen allele CA394705641.
Genomic context (GRCh38, chr16:9,763,309, plus strand): 5'-GCATAAGGCATAACATGCTCCGAAATATACACATCATTGTGGCCCCGACTGTCCCTGGAA[C>G]AGTACGATGCCGTTGACCTCAAGGACGACCGAAGATAGCTGTCATTCACCGCCTGGGATG-3'
Protein context (NP_001127879.1, residues 1402-1422): RSSLRSTASY[Cys1412Ser]SRDSRGHNDV